The following is an entry in ClinVar:

NM_001148.6(ANK2):c.1485+1G>A

Gene: ANK2 (ankyrin 2; plus strand). Cytogenetic location: 4q26.
Variant type: single nucleotide variant.
Coding change: c.1485+1G>A on transcript NM_001148.6 (MANE Select); the canonical splice donor site of the intron after coding-DNA position 1485, G replaced by A.
Molecular consequence: splice donor variant.
Genome position (GRCh38, 1-based): chr4:113,264,996, G>A. VCF-style: chr4-113264996-G-A. GRCh37 (hg19) VCF-style: chr4-114186152-G-A.
Other names: c.1473+1G>A (NM_001386186.2, NM_001386148.2); c.1275+1G>A (NM_001354269.3); c.1449+1G>A (NM_001386187.2); c.1443+1G>A (NM_001386147.1, NM_001386160.1, NM_001354261.2); c.1422+1G>A (NM_001354254.2, NM_001354239.2, NM_001354252.2 and 14 more transcripts); c.1398+1G>A (NM_001354249.2, NM_001354266.2, NM_001354276.2 and 13 more transcripts); c.1200+1G>A (NM_001386157.1, NM_001354277.2, NM_001386158.1); c.1530+1G>A (NM_001354241.2, NM_001386152.1, NM_001354237.2 and 5 more transcripts); and 4 more.
Identifiers: ClinVar variation 3721367 (VCV003721367.2).

ClinVar aggregate classification (germline): Likely pathogenic (1 of 4 stars; one submission).

Conditions:
Long QT syndrome (LQTS). Identifiers: MedGen C0023976, MeSH D008133, MONDO:0002442. Disease mechanism: loss of function. Inheritance: Various modes of inheritance.

Submission:

Labcorp Genetics (formerly Invitae), Labcorp
Classification: Likely pathogenic for Long QT syndrome. Last evaluated: 2025-02-03. Review status: criteria provided, single submitter. Criteria: Invitae Variant Classification Sherloc (09022015). Collection method: clinical testing. Allele origin: germline.
Comment: This sequence change affects a donor splice site in intron 14 of the ANK2 gene. It is expected to disrupt RNA splicing. Variants that disrupt the donor or acceptor splice site typically lead to a loss of protein function (PMID: 16199547), and loss-of-function variants in ANK2 are known to be pathogenic (PMID: 37195288). This variant is not present in population databases (gnomAD no frequency). This variant has not been reported in the literature in individuals affected with ANK2-related conditions. Algorithms developed to predict the effect of sequence changes on RNA splicing suggest that this variant may disrupt the consensus splice site. In summary, the currently available evidence indicates that the variant is pathogenic, but additional data are needed to prove that conclusively. Therefore, this variant has been classified as Likely Pathogenic.

Literature cited by the submitters: PubMed 16199547; PubMed 37195288.